The following is an entry in ClinVar:

ClinVar aggregate classification (germline): Benign (1 of 4 stars; one submission).

Allele frequency attached by ClinVar (database versions not stated): 1000 Genomes Project 30x 0.00141; 1000 Genomes Project 0.00160.
gnomAD v4.1: 619 of 1,611,890 alleles (0.038%); highest among the groups gnomAD compares: East Asian, 1%; 6 homozygotes.

Submissions (3):

CeGaT Center for Human Genetics Tuebingen
Classification: Benign. Last evaluated: 2026-04-01. Review status: criteria provided, single submitter. Criteria: CeGaT Center For Human Genetics Tuebingen Variant Classification Criteria Version 2. Collection method: clinical testing. Allele origin: germline. Affected: yes. Observed: 3 variant alleles.
Comment: CSMD1: BS1, BS2

Dr. Peter K. Rogan Lab, Western University
No classification provided (evidence only). Condition: Thyroid cancer, nonmedullary, 1. Review status: no classification provided. Collection method: in vitro. Allele origin: not applicable. Functional consequence: retained intron. Not counted in ClinVar's aggregate classification.

Dr. Peter K. Rogan Lab, Western University
No classification provided (evidence only). Condition: Malignant tumor of esophagus. Review status: no classification provided. Collection method: in vitro. Allele origin: not applicable. Functional consequence: retained intron. Not counted in ClinVar's aggregate classification.

NM_033225.6(CSMD1):c.3825G>A (p.Ala1275=)

Gene: CSMD1 (CUB and Sushi multiple domains 1; minus strand). Cytogenetic location: 8p23.2.
Variant type: single nucleotide variant.
Coding change: c.3825G>A on transcript NM_033225.6 (MANE Select); coding-DNA position 3825, G replaced by A.
Protein change: p.Ala1275=; no amino-acid change (alanine 1275 retained).
Molecular consequence: synonymous variant.
Genome position (GRCh38, 1-based): chr8:3,307,820, C>T on the plus strand (G>A on the coding strand, the complement: CSMD1 is on the minus strand). VCF-style: chr8-3307820-C-T. GRCh37 (hg19) VCF-style: chr8-3165342-C-T.
Other names: NC_000008.10:g.3165342C>T.
Identifiers: ClinVar variation 2658338 (VCV002658338.25), dbSNP rs184845115, ClinGen allele CA4607614.
Genomic context (GRCh38, chr8:3,307,820, plus strand): 5'-TGGATAGCCAGGGGACAATATTCGTCCTGATGTGGCTGCATGGATCTGACCACCACATTC[C>T]GCTGTAGAAGACACAGAGAGATGGGAACGTTCAGCTTCAGGCATCACATGTTTCTATTTA-3'
Protein context (NP_150094.5, residues 1265-1285): VWDKPLPSCI[Ala1275=]ECGGQIHAAT